The following is an entry in ClinVar:

NM_015100.4(POGZ):c.2763del (p.Thr922fs)

Gene: POGZ (pogo transposable element derived with ZNF domain; minus strand). Cytogenetic location: 1q21.3.
Variant type: Deletion.
Coding change: c.2763del on transcript NM_015100.4 (MANE Select); coding-DNA position 2763, one base deleted (C; older notation c.2763delC).
Protein change: p.Thr922fs; shifts the reading frame from threonine 922.
Molecular consequence: frameshift variant.
Genome position (GRCh38, 1-based): chr1:151,406,272, G deleted on the plus strand (C on the coding strand, the reverse complement: POGZ is on the minus strand); the first of 5 consecutive G bases (chr1:151,406,272-151,406,276); deleting any one gives the same sequence. VCF-style (leftmost placement, unchanged base first): chr1-151406271-TG-T. GRCh37 (hg19) VCF-style: chr1-151378747-TG-T.
Other names: c.2736del, p.Thr913fs (NM_001194937.2); c.2577del, p.Thr860fs (NM_001194938.2); c.2784del, p.Thr929fs (NM_001410860.1); c.2478del, p.Thr827fs (NM_145796.4); c.2604del, p.Thr869fs (NM_207171.2); short protein forms T827fs, T860fs, T869fs, T913fs, T922fs, T929fs.
Identifiers: ClinVar variation 3255024 (VCV003255024.2), dbSNP rs864321672.

ClinVar aggregate classification (germline): Pathogenic (1 of 4 stars; one submission).

Conditions:
Intellectual disability-microcephaly-strabismus-behavioral abnormalities syndrome. Also called: White-Sutton Syndrome. Identifiers: Orphanet 468678, MedGen C4225351, MONDO:0014606, OMIM 616364.

Submission:

Victorian Clinical Genetics Services, Murdoch Childrens Research Institute
Classification: Pathogenic for Intellectual disability-microcephaly-strabismus-behavioral abnormalities syndrome. Last evaluated: 2024-09-20. Review status: criteria provided, single submitter. Criteria: ACMG Guidelines, 2015. Collection method: clinical testing. Allele origin: germline. Inheritance: Autosomal dominant inheritance. Affected: yes.
Comment: Based on the classification scheme VCGS_Germline_v1.3.4, this variant is classified as Pathogenic. Following criteria are met: 0102 - Loss of function is a known mechanism of disease in this gene and is associated with White-Sutton syndrome (MIM#616364). (I) 0107 - This gene is associated with autosomal dominant disease. (I) 0204 - Variant is predicted to result in a truncated protein (premature termination codon is NOT located at least 54 nucleotides upstream of the final exon-exon junction) with at least 1/3 of the protein sequence affected. (SP) 0251 - This variant is heterozygous. (I) 0301 - Variant is absent from gnomAD (both v2 and v3). (SP) 0600 - Variant truncates the annotated DDE superfamily endonuclease and Tc5 transposase DNA-binding domains (DECIPHER). (I) 0701 - Other downstream truncating variants comparable to the one identified in this case have very strong previous evidence for pathogenicity (DECIPHER). (SP) 0802 - This variant has moderate previous evidence of pathogenicity in an unrelated individual. This variant has been observed as de novo in an individual with a POGZ-related neurodevelopmental disorder (PMID: 35052493). (SP) 0905 - No published segregation evidence has been identified for this variant. (I) 1007 - No published functional evidence has been identified for this variant. (SP) Legend: (SP) - Supporting pathogenic, (I) - Information, (SB) - Supporting benign

Literature cited by the submitters: PubMed 35052493.